The following is an entry in ClinVar:

NM_030780.5(SLC25A32):c.445A>G (p.Met149Val)

Gene: SLC25A32 (solute carrier family 25 member 32; minus strand). Cytogenetic location: 8q22.3.
Variant type: single nucleotide variant.
Coding change: c.445A>G on transcript NM_030780.5 (MANE Select); coding-DNA position 445, A replaced by G.
Protein change: p.Met149Val; replaces methionine 149 with valine.
Molecular consequence: missense variant. On other transcripts: non-coding transcript variant (2).
Genome position (GRCh38, 1-based): chr8:103,403,271, T>C on the plus strand (A>G on the coding strand, the complement: SLC25A32 is on the minus strand). VCF-style: chr8-103403271-T-C. GRCh37 (hg19) VCF-style: chr8-104415499-T-C.
Other names: short protein forms M149V.
Identifiers: ClinVar variation 2080268 (VCV002080268.4), dbSNP rs895117142, ClinGen allele CA182558034.

ClinVar aggregate classification (germline): Uncertain significance (1 of 4 stars; one submission).

Allele frequency attached by ClinVar (database versions not stated): TOPMed 0.00002; gnomAD 0.00001.

Submission:

Labcorp Genetics (formerly Invitae), Labcorp
Classification: Uncertain significance. Last evaluated: 2022-05-04. Review status: criteria provided, single submitter. Criteria: Invitae Variant Classification Sherloc (09022015). Collection method: clinical testing. Allele origin: germline.
Comment: Algorithms developed to predict the effect of missense changes on protein structure and function (SIFT, PolyPhen-2, Align-GVGD) all suggest that this variant is likely to be tolerated. This variant has not been reported in the literature in individuals affected with SLC25A32-related conditions. This variant is present in population databases (no rsID available, gnomAD 0.003%). This sequence change replaces methionine, which is neutral and non-polar, with valine, which is neutral and non-polar, at codon 149 of the SLC25A32 protein (p.Met149Val). In summary, the available evidence is currently insufficient to determine the role of this variant in disease. Therefore, it has been classified as a Variant of Uncertain Significance.